The following is an entry in ClinVar:

NM_000245.4(MET):c.3856G>A (p.Asp1286Asn)

Gene: MET (MET proto-oncogene, receptor tyrosine kinase; plus strand). Cytogenetic location: 7q31.2.
Variant type: single nucleotide variant.
Coding change: c.3856G>A on transcript NM_000245.4 (MANE Select); coding-DNA position 3856, G replaced by A.
Protein change: p.Asp1286Asn; replaces aspartic acid 1286 with asparagine.
Molecular consequence: missense variant.
Genome position (GRCh38, 1-based): chr7:116,795,712, G>A. VCF-style: chr7-116795712-G-A. GRCh37 (hg19) VCF-style: chr7-116435766-G-A.
Other names: c.3910G>A, p.Asp1304Asn (NM_001127500.3); c.2566G>A, p.Asp856Asn (NM_001324402.2); short protein forms D1286N, D856N, D1304N.
Identifiers: ClinVar variation 3395115 (VCV003395115.2).

ClinVar aggregate classification (germline): Uncertain significance. Review status: criteria provided, multiple submitters, no conflicts (2 of 4 stars). 2 submissions from 2 submitters: Uncertain significance (2). Last evaluated 2025-04-16.

Conditions:
Renal cell carcinoma. Identifiers: Orphanet 217071, MedGen C0007134, MeSH D002292, MONDO:0005086, HP:0005584.
Hereditary cancer-predisposing syndrome. Also called: Hereditary Cancer Syndrome; Tumor predisposition; Hereditary neoplastic syndrome; Neoplastic Syndromes, Hereditary. Identifiers: Orphanet 140162, MedGen C0027672, MeSH D009386, MONDO:0015356.

Submissions (2):

Labcorp Genetics (formerly Invitae), Labcorp
Classification: Uncertain significance for Renal cell carcinoma. Last evaluated: 2025-04-16. Review status: criteria provided, single submitter. Criteria: Invitae Variant Classification Sherloc (09022015). Collection method: clinical testing. Allele origin: germline.
Comment: This sequence change replaces aspartic acid, which is acidic and polar, with asparagine, which is neutral and polar, at codon 1304 of the MET protein (p.Asp1304Asn). This variant is not present in population databases (gnomAD no frequency). This variant has not been reported in the literature in individuals affected with MET-related conditions. ClinVar contains an entry for this variant (Variation ID: 3395115). Invitae Evidence Modeling of protein sequence and biophysical properties (such as structural, functional, and spatial information, amino acid conservation, physicochemical variation, residue mobility, and thermodynamic stability) indicates that this missense variant is not expected to disrupt MET protein function with a negative predictive value of 80%. In summary, the available evidence is currently insufficient to determine the role of this variant in disease. Therefore, it has been classified as a Variant of Uncertain Significance.

Ambry Genetics
Classification: Uncertain significance for Hereditary cancer-predisposing syndrome. Last evaluated: 2024-07-23. Review status: criteria provided, single submitter. Criteria: Ambry Variant Classification Scheme 2023. Collection method: clinical testing. Allele origin: germline.
Comment: The p.D1304N variant (also known as c.3910G>A), located in coding exon 19 of the MET gene, results from a G to A substitution at nucleotide position 3910. The aspartic acid at codon 1304 is replaced by asparagine, an amino acid with highly similar properties. This amino acid position is conserved. In addition, this alteration is predicted to be tolerated by in silico analysis. Based on the available evidence, the clinical significance of this variant remains unclear.